The following is an entry in ClinVar:

ClinVar aggregate classification (germline): Benign (1 of 4 stars; one submission).

Allele frequency attached by ClinVar (database versions not stated): 1000 Genomes Project 0.24740; gnomAD 0.24817 and 0.25089; TOPMed 0.24939; 1000 Genomes Project 30x 0.25375.
gnomAD v4.1: 37,459 of 151,614 alleles (25%); highest among the groups gnomAD compares: African/African-American, 39%; 5,259 homozygotes.

Submission:

GeneDx
Classification: Benign. Last evaluated: 2018-06-14. Review status: criteria provided, single submitter. Criteria: GeneDx Variant Classification (06012015). Collection method: clinical testing. Allele origin: germline. Affected: yes.
Comment: This variant is considered likely benign or benign based on one or more of the following criteria: it is a conservative change, it occurs at a poorly conserved position in the protein, it is predicted to be benign by multiple in silico algorithms, and/or has population frequency not consistent with disease.

NM_000426.4(LAMA2):c.819+197G>A

Gene: LAMA2 (laminin subunit alpha 2; plus strand). Cytogenetic location: 6q22.33.
Variant type: single nucleotide variant.
Coding change: c.819+197G>A on transcript NM_000426.4 (MANE Select); 197 bases into the intron after coding-DNA position 819, G replaced by A.
Molecular consequence: intron variant.
Genome position (GRCh38, 1-based): chr6:129,144,277, G>A. VCF-style: chr6-129144277-G-A. GRCh37 (hg19) VCF-style: chr6-129465422-G-A.
Other names: c.819+197G>A (NM_001079823.2).
Identifiers: ClinVar variation 682904 (VCV000682904.1), dbSNP rs17056847, ClinGen allele CA16279877.